The following is an entry in ClinVar:

ClinVar aggregate classification (germline): Uncertain significance. Review status: criteria provided, multiple submitters, no conflicts (2 of 4 stars). 2 submissions from 2 submitters: Uncertain significance (2). Last evaluated 2025-01-23.

Conditions:
Wilms tumor 1 (WT1). Also called: Wilms tumor, somatic. Identifiers: Orphanet 654, MedGen CN033288, MONDO:0008679, OMIM 194070.
Simpson-Golabi-Behmel syndrome type 1 (SGBS1). Also called: GPC3-Related Simpson-Golabi-Behmel Syndrome Type 1; SIMPSON DYSMORPHIA SYNDROME; BULLDOG SYNDROME; DYSPLASIA GIGANTISM SYNDROME, X-LINKED; GOLABI-ROSEN SYNDROME. Identifiers: Orphanet 373, MedGen C0796154, MONDO:0020602, OMIM 312870.

Submissions (2):

Labcorp Genetics (formerly Invitae), Labcorp
Classification: Uncertain significance for Wilms tumor 1. Last evaluated: 2025-01-23. Review status: criteria provided, single submitter. Criteria: Invitae Variant Classification Sherloc (09022015). Collection method: clinical testing. Allele origin: germline.
Comment: This sequence change replaces isoleucine, which is neutral and non-polar, with valine, which is neutral and non-polar, at codon 549 of the GPC3 protein (p.Ile549Val). This variant is not present in population databases (gnomAD no frequency). This missense change has been observed in individuals with clinical features of Simpson-Golabi-Behmel syndrome (PMID: 35796063; internal data). ClinVar contains an entry for this variant (Variation ID: 1693307). An algorithm developed to predict the effect of missense changes on protein structure and function outputs the following: PolyPhen-2: "Benign". The valine amino acid residue is found in multiple mammalian species, which suggests that this missense change does not adversely affect protein function. Studies have shown that this missense change alters GPC3 gene expression (PMID: 35796063). Algorithms developed to predict the effect of sequence changes on RNA splicing suggest that this variant may create or strengthen a splice site. In summary, the available evidence is currently insufficient to determine the role of this variant in disease. Therefore, it has been classified as a Variant of Uncertain Significance.

Illumina Laboratory Services, Illumina
Classification: Uncertain significance for Simpson-Golabi-Behmel syndrome type 1. Last evaluated: 2022-01-13. Review status: criteria provided, single submitter. Criteria: ICSLVariantClassificationCriteria RUGD 01 April 2020. Collection method: clinical testing. Allele origin: unknown.
Comment: The GPC3 c.1645A>G (p.Ile549Val) missense variant results in the substitution of isoleucine at amino acid position 549 with valine. To our knowledge, this variant has not been reported in the peer-reviewed literature. This variant is not found in version 2.1.1 or version 3.1.2 of the Genome Aggregation Database. Based on the available evidence, the c.1645A>G (p.Ile549Val) variant is classified as a variant of uncertain significance for Simpson-Golabi-Behmel syndrome.

Literature cited by the submitters: PubMed 35796063 (cited by Labcorp Genetics (formerly Invitae), Labcorp).

NM_004484.4(GPC3):c.1645A>G (p.Ile549Val)

Gene: GPC3 (glypican 3; minus strand). Cytogenetic location: Xq26.2.
Variant type: single nucleotide variant.
Coding change: c.1645A>G on transcript NM_004484.4 (MANE Select); coding-DNA position 1645, A replaced by G.
Protein change: p.Ile549Val; replaces isoleucine 549 with valine.
Molecular consequence: missense variant.
Genome position (GRCh38, 1-based): chrX:133,536,222, T>C on the plus strand (A>G on the coding strand, the complement: GPC3 is on the minus strand). VCF-style: chrX-133536222-T-C. GRCh37 (hg19) VCF-style: chrX-132670250-T-C.
Other names: c.1714A>G, p.Ile572Val (NM_001164617.2); c.1597A>G, p.Ile533Val (NM_001164618.2); c.1483A>G, p.Ile495Val (NM_001164619.2); short protein forms I495V, I533V, I549V, I572V.
Identifiers: ClinVar variation 1693307 (VCV001693307.8), dbSNP rs2124257541, ClinGen allele CA414702993.